The following is an entry in ClinVar:

ClinVar aggregate classification (germline): Pathogenic. Review status: criteria provided, multiple submitters, no conflicts (2 of 4 stars). 3 submissions from 3 submitters: Pathogenic (3). Last evaluated 2026-04-12.

Conditions:
Charcot-Marie-Tooth disease type 2E (CMT2E). Also called: CHARCOT-MARIE-TOOTH DISEASE, AXONAL, TYPE 2E; CHARCOT-MARIE-TOOTH NEUROPATHY, TYPE 2E. Identifiers: Orphanet 99939, MedGen C1843225, MONDO:0011894, OMIM 607684.

Allele frequency attached by ClinVar (database versions not stated): gnomAD exomes below 0.00001.

Submissions (3):

Dasa
Classification: Pathogenic. Last evaluated: 2026-04-12. Review status: criteria provided, single submitter. Criteria: DASA Assertion Criteria. Collection method: clinical testing. Allele origin: germline.
Comment: NM_006158.5(NEFL):c.54C>G (p.Tyr18*) introduces a premature termination codon predicted to result in loss of normal protein function. Loss-of-function is an established mechanism of disease for this gene. The affected residue or protein region has prior evidence supporting clinical relevance. This variant has been observed in affected individuals with related phenotype in a genotype context consistent with recessive disease (PMID: 39776111; PMID: 40554605). This variant has been recurrently observed in individuals with related phenotype (PMID: 39776111; PMID: 40554605). The variant is present at low frequency in population datasets. Based on the available data, this variant is classified as pathogenic.

Labcorp Genetics (formerly Invitae), Labcorp
Classification: Pathogenic for Charcot-Marie-Tooth disease type 2E. Last evaluated: 2023-06-14. Review status: criteria provided, single submitter. Criteria: Invitae Variant Classification Sherloc (09022015). Collection method: clinical testing. Allele origin: germline.
Comment: The frequency data for this variant in the population databases is considered unreliable, as metrics indicate poor data quality at this position in the gnomAD database. For these reasons, this variant has been classified as Pathogenic. ClinVar contains an entry for this variant (Variation ID: 1685969). This premature translational stop signal has been observed in individual(s) with clinical features of autosomal recessive Charcot-Marie-Tooth disease (PMID: 34476298). This sequence change creates a premature translational stop signal (p.Tyr18*) in the NEFL gene. It is expected to result in an absent or disrupted protein product. Loss-of-function variants in NEFL are known to be pathogenic (PMID: 19158810, 20039262).

Mendelics
Classification: Pathogenic for Charcot-Marie-Tooth disease type 2E. Last evaluated: 2022-05-04. Review status: criteria provided, single submitter. Criteria: Mendelics Assertion Criteria 2019. Collection method: clinical testing. Allele origin: germline.

Literature cited by the submitters: PubMed 39776111 (cited by Dasa); PubMed 40554605 (cited by Dasa); PubMed 34476298 (cited by Labcorp Genetics (formerly Invitae), Labcorp); PubMed 19158810 (cited by Labcorp Genetics (formerly Invitae), Labcorp); PubMed 20039262 (cited by Labcorp Genetics (formerly Invitae), Labcorp).

NM_006158.5(NEFL):c.54C>G (p.Tyr18Ter)

Gene: NEFL (neurofilament light chain; minus strand). Cytogenetic location: 8p21.2.
Variant type: single nucleotide variant.
Coding change: c.54C>G on transcript NM_006158.5 (MANE Select); coding-DNA position 54, C replaced by G.
Protein change: p.Tyr18Ter; replaces tyrosine 18 with a stop codon.
Molecular consequence: nonsense.
Genome position (GRCh38, 1-based): chr8:24,956,462, G>C on the plus strand (C>G on the coding strand, the complement: NEFL is on the minus strand). VCF-style: chr8-24956462-G-C. GRCh37 (hg19) VCF-style: chr8-24813976-G-C.
Other names: short protein forms Y18*.
Identifiers: ClinVar variation 1685969 (VCV001685969.5), dbSNP rs1431523432, ClinGen allele CA370624182.